The following is an entry in ClinVar:

ClinVar aggregate classification (germline): Uncertain significance (1 of 4 stars; one submission).

Allele frequency attached by ClinVar (database versions not stated): gnomAD 0.00001; gnomAD exomes 0.00001; TOPMed 0.00001.
gnomAD v4.1: 19 of 1,613,662 alleles (0.0012%); highest among the groups gnomAD compares: Non-Finnish European, 0.0014%; no homozygotes.

Submission:

Labcorp Genetics (formerly Invitae), Labcorp
Classification: Uncertain significance. Last evaluated: 2026-01-04. Review status: criteria provided, single submitter. Criteria: Invitae Variant Classification Sherloc (09022015). Collection method: clinical testing. Allele origin: germline.
Comment: This sequence change replaces tyrosine, which is neutral and polar, with asparagine, which is neutral and polar, at codon 425 of the TOPORS protein (p.Tyr425Asn). This variant is not present in population databases (gnomAD no frequency). This missense change has been observed in individual(s) with clinical features of retinitis pigmentosa (internal data). ClinVar contains an entry for this variant (Variation ID: 1059690). An algorithm developed to predict the effect of missense changes on protein structure and function (PolyPhen-2) suggests that this variant is likely to be disruptive. In summary, the available evidence is currently insufficient to determine the role of this variant in disease. Therefore, it has been classified as a Variant of Uncertain Significance.

NM_005802.5(TOPORS):c.1273T>A (p.Tyr425Asn)

Gene: TOPORS (TOP1 binding arginine/serine rich protein, E3 ubiquitin ligase; minus strand). Cytogenetic location: 9p21.1.
Variant type: single nucleotide variant.
Coding change: c.1273T>A on transcript NM_005802.5 (MANE Select); coding-DNA position 1273, T replaced by A.
Protein change: p.Tyr425Asn; replaces tyrosine 425 with asparagine.
Molecular consequence: missense variant.
Genome position (GRCh38, 1-based): chr9:32,543,252, A>T on the plus strand (T>A on the coding strand, the complement: TOPORS is on the minus strand). VCF-style: chr9-32543252-A-T. GRCh37 (hg19) VCF-style: chr9-32543250-A-T.
Other names: c.1078T>A, p.Tyr360Asn (NM_001195622.2); short protein forms Y360N, Y425N.
Identifiers: ClinVar variation 1059690 (VCV001059690.9), dbSNP rs1476337003, ClinGen allele CA373170793.